The following is an entry in ClinVar:

ClinVar aggregate classification (germline): Uncertain significance (1 of 4 stars; one submission).

Conditions:
Developmental and epileptic encephalopathy, 50 (DEE50). Also called: Epileptic encephalopathy, early infantile, 50. Identifiers: Orphanet 448010, MedGen C4225320, MONDO:0014647, OMIM 616457.

Submission:

Dasa
Classification: Uncertain significance for Developmental and epileptic encephalopathy, 50. Last evaluated: 2025-12-17. Review status: criteria provided, single submitter. Criteria: DASA Assertion Criteria. Collection method: clinical testing. Allele origin: germline.
Comment: NM_004341.5(CAD):c.3250C>T (p.Pro1084Ser) is a missense variant that results in the substitution of proline with serine. This variant is absent from population databases. Computational prediction algorithms are consistent with a deleterious effect. The currently available literature and clinical evidence are not sufficient to establish a definitive association between this variant and the reported condition. Therefore, this variant is classified as a variant of uncertain significance.

NM_004341.5(CAD):c.3250C>T (p.Pro1084Ser)

Gene: CAD (carbamoyl-phosphate synthetase 2, aspartate transcarbamylase, and dihydroorotase; plus strand). Cytogenetic location: 2p23.3.
Variant type: single nucleotide variant.
Coding change: c.3250C>T on transcript NM_004341.5 (MANE Select); coding-DNA position 3250, C replaced by T.
Protein change: p.Pro1084Ser; replaces proline 1084 with serine.
Molecular consequence: missense variant.
Genome position (GRCh38, 1-based): chr2:27,233,659, C>T. VCF-style: chr2-27233659-C-T. GRCh37 (hg19) VCF-style: chr2-27456527-C-T.
Other names: c.3061C>T, p.Pro1021Ser (NM_001306079.2); short protein forms P1021S, P1084S.
Identifiers: ClinVar variation 4882059 (VCV004882059.2).